The following is an entry in ClinVar:

ClinVar aggregate classification (germline): Uncertain significance. Review status: criteria provided, multiple submitters, no conflicts (2 of 4 stars). 2 submissions from 2 submitters: Uncertain significance (2). Last evaluated 2023-09-28.

Conditions:
Hereditary breast ovarian cancer syndrome. Also called: Hereditary breast and ovarian cancer syndrome; Hereditary breast and ovarian cancer; Hereditary breast and ovarian cancer syndrome (HBOC); Breast and ovarian cancer; Hereditary breast and/or ovarian cancer syndrome; BRCA1- and BRCA2-Associated Hereditary Breast and Ovarian Cancer. Identifiers: Orphanet 145, MedGen C0677776, MeSH D061325, MONDO:0003582. Disease mechanism: loss of function.
Hereditary cancer-predisposing syndrome. Also called: Neoplastic Syndromes, Hereditary; Tumor predisposition; Hereditary neoplastic syndrome; Hereditary Cancer Syndrome. Identifiers: Orphanet 140162, MedGen C0027672, MeSH D009386, MONDO:0015356.

Submissions (2):

Ambry Genetics
Classification: Uncertain significance for Hereditary cancer-predisposing syndrome. Last evaluated: 2023-09-28. Review status: criteria provided, single submitter. Criteria: Ambry Variant Classification Scheme 2023. Collection method: clinical testing. Allele origin: germline.
Comment: The p.A1438T variant (also known as c.4312G>A), located in coding exon 11 of the BRCA1 gene, results from a G to A substitution at nucleotide position 4312. The alanine at codon 1438 is replaced by threonine, an amino acid with similar properties. This amino acid position is poorly conserved in available vertebrate species. In addition, this alteration is predicted to be tolerated by in silico analysis. Since supporting evidence is limited at this time, the clinical significance of this alteration remains unclear.

Labcorp Genetics (formerly Invitae), Labcorp
Classification: Uncertain significance for Hereditary breast ovarian cancer syndrome. Last evaluated: 2019-11-29. Review status: criteria provided, single submitter. Criteria: Invitae Variant Classification Sherloc (09022015). Collection method: clinical testing. Allele origin: germline.
Comment: In summary, the available evidence is currently insufficient to determine the role of this variant in disease. Therefore, it has been classified as a Variant of Uncertain Significance. Algorithms developed to predict the effect of missense changes on protein structure and function (SIFT, PolyPhen-2, Align-GVGD) all suggest that this variant is likely to be tolerated, but these predictions have not been confirmed by published functional studies and their clinical significance is uncertain. This variant has not been reported in the literature in individuals with BRCA1-related conditions. This variant is not present in population databases (ExAC no frequency). This sequence change replaces alanine with threonine at codon 1438 of the BRCA1 protein (p.Ala1438Thr). The alanine residue is moderately conserved and there is a small physicochemical difference between alanine and threonine.

NM_007294.4(BRCA1):c.4312G>A (p.Ala1438Thr)

Gene: BRCA1 (BRCA1 DNA repair associated; minus strand). Cytogenetic location: 17q21.31.
Variant type: single nucleotide variant.
Coding change: c.4312G>A on transcript NM_007294.4 (MANE Select); coding-DNA position 4312, G replaced by A.
Protein change: p.Ala1438Thr; replaces alanine 1438 with threonine.
Molecular consequence: missense variant. On other transcripts: non-coding transcript variant (1).
Genome position (GRCh38, 1-based): chr17:43,082,449, C>T on the plus strand (G>A on the coding strand, the complement: BRCA1 is on the minus strand). VCF-style: chr17-43082449-C-T. GRCh37 (hg19) VCF-style: chr17-41234466-C-T.
Other names: c.1000G>A, p.Ala334Thr (NM_001408473.1, NM_001407972.1, NM_001407979.1 and 18 more transcripts); c.802G>A, p.Ala268Thr (NM_001408474.1, NM_001408476.1); c.799G>A, p.Ala267Thr (NM_001408475.1); c.793G>A, p.Ala265Thr (NM_001408478.1, NM_001408479.1, NM_001408480.1 and 6 more transcripts); c.790G>A, p.Ala264Thr (NM_001408489.1, NM_001408490.1, NM_001408491.1 and 3 more transcripts); c.763G>A, p.Ala255Thr (NM_001408494.1); c.760G>A, p.Ala254Thr (NM_001408495.1); c.739G>A, p.Ala247Thr (NM_001408496.1, NM_001408497.1, NM_001408498.1 and 3 more transcripts); and 51 more; short protein forms A335T, A1391T, A1438T, A226T, A247T, A267T, A288T, A293T.
Identifiers: ClinVar variation 824782 (VCV000824782.15), dbSNP rs1597847811, ClinGen allele CA10593098.
Genomic context (GRCh38, chr17:43,082,449, plus strand): 5'-GCCAACAATACACACCTTTTTCTGATGTGCTTTGTTCTGGATTTCGCAGGTCCTCAAGGG[C>T]AGAAGAGTCACTTATGATGGAAGGGTAGCTGTTAGAAGGCTGGCTCCCATGCTGTTCTAA-3'
Protein context (NP_009225.1, residues 1428-1448): SYPSIISDSS[Ala1438Thr]LEDLRNPEQS